The following is an entry in ClinVar:

NM_006073.4(TRDN):c.295dup (p.Thr99fs)

Gene: TRDN (triadin; minus strand). Cytogenetic location: 6q22.31.
Variant type: Duplication.
Coding change: c.295dup on transcript NM_006073.4 (MANE Select); coding-DNA position 295, one base duplicated (A; older notation c.295dupA).
Protein change: p.Thr99fs; shifts the reading frame from threonine 99.
Molecular consequence: frameshift variant.
Genome position (GRCh38, 1-based): chr6:123,548,550, T duplicated on the plus strand (A on the coding strand, the reverse complement: TRDN is on the minus strand); the first of 3 consecutive T bases (chr6:123,548,550-123,548,552); duplicating any one gives the same sequence. VCF-style (leftmost placement, unchanged base first): chr6-123548549-G-GT. GRCh37 (hg19) VCF-style: chr6-123869694-G-GT.
Other names: c.295dupA (NM_006073.2); c.295dup, p.Thr99fs (NM_001251987.2, NM_001256020.2, NM_001256021.2 and 2 more transcripts); short protein forms T99fs.
Identifiers: ClinVar variation 4782180 (VCV004782180.2).
Genomic context (GRCh38, chr6:123,548,549, plus strand): 5'-TCATCTTCAGATGAGATGATGTCAGATAACAAAGAAAAGAAGCCATAGATCCAGTCCGTG[G>GT]TTTCCTCCATAGCATCACGTACCAGTTTTAAAGGATCTGAGCCAATCTTGGCAATAGAGC-3'

ClinVar aggregate classification (germline): Pathogenic. Review status: criteria provided, multiple submitters, no conflicts (2 of 4 stars). 2 submissions from 2 submitters: Pathogenic (2). Last evaluated 2026-03-03.

Conditions:
Cardiovascular phenotype. Identifiers: MedGen CN230736.
Catecholaminergic polymorphic ventricular tachycardia 1. Also called: VENTRICULAR TACHYCARDIA, STRESS-INDUCED POLYMORPHIC 1; VENTRICULAR TACHYCARDIA, CATECHOLAMINERGIC POLYMORPHIC, 1, WITH OR WITHOUT ATRIAL DYSFUNCTION AND/OR DILATED CARDIOMYOPATHY; RYR2-Related Catecholaminergic Polymorphic Ventricular Tachycardia. Identifiers: Orphanet 3286, MedGen C1631597, MONDO:0011484, OMIM 604772.

Submissions (2):

Ambry Genetics
Classification: Pathogenic for Cardiovascular phenotype. Last evaluated: 2026-03-03. Review status: criteria provided, single submitter. Criteria: Ambry Variant Classification Scheme 2023. Collection method: clinical testing. Allele origin: germline.
Comment: The c.295dupA pathogenic mutation, located in coding exon 3 of the TRDN gene, results from a duplication of A at nucleotide position 295, causing a translational frameshift with a predicted alternate stop codon (p.T99Nfs*14). This variant is considered to be rare based on population cohorts in the Genome Aggregation Database (gnomAD). This alteration is expected to result in loss of function by premature protein truncation or nonsense-mediated mRNA decay. As such, this alteration is interpreted as a disease-causing mutation.

Labcorp Genetics (formerly Invitae), Labcorp
Classification: Pathogenic for Catecholaminergic polymorphic ventricular tachycardia 1. Last evaluated: 2025-07-13. Review status: criteria provided, single submitter. Criteria: Invitae Variant Classification Sherloc (09022015). Collection method: clinical testing. Allele origin: germline.
Comment: This sequence change creates a premature translational stop signal (p.Thr99Asnfs*14) in the TRDN gene. It is expected to result in an absent or disrupted protein product. Loss-of-function variants in TRDN are known to be pathogenic (PMID: 22422768, 25922419, 26200674, 30649896). This variant is not present in population databases (gnomAD no frequency). This variant has not been reported in the literature in individuals affected with TRDN-related conditions. For these reasons, this variant has been classified as Pathogenic.

Literature cited by the submitters: PubMed 22422768 (cited by Labcorp Genetics (formerly Invitae), Labcorp); PubMed 25922419 (cited by Labcorp Genetics (formerly Invitae), Labcorp); PubMed 26200674 (cited by Labcorp Genetics (formerly Invitae), Labcorp); PubMed 30649896 (cited by Labcorp Genetics (formerly Invitae), Labcorp).